The following is an entry in ClinVar:

NC_000007.13:g.(117188878_117199517)_(117199710_117227792)del

Gene: CFTR (CF transmembrane conductance regulator; plus strand). Cytogenetic location: 7q31.2.
Variant type: Deletion.
Identifiers: ClinVar variation 3339740 (VCV003339740.1).

ClinVar aggregate classification (germline): Pathogenic (1 of 4 stars; one submission).

Conditions:
Cystic fibrosis (CF). Also called: MUCOVISCIDOSIS. Identifiers: Orphanet 586, MedGen C0010674, MONDO:0009061, OMIM 219700. Disease mechanism: loss of function.

Submission:

Women's Health and Genetics/Laboratory Corporation of America, LabCorp
Classification: Pathogenic for Cystic fibrosis. Last evaluated: 2024-06-05. Review status: criteria provided, single submitter. Criteria: LabCorp Variant Classification Summary - May 2015. Collection method: clinical testing. Allele origin: germline.
Comment: Variant summary: The variant involves the deletion of exon 11 in the CFTR gene. A presumed nomenclature of c.(1392+1_1393-1)_(1584+1_1585-1)del has been designated for the purposes of this classification. This Copy Number Variant (CNV) is predicted to result in an in-frame deletion within this gene. The variant was absent in 21674 control chromosomes. c.(1392+1_1393-1)_(1584+1_1585-1)del has been reported in the literature in individuals affected with Cystic Fibrosis (e.g. Duz_2021, Shen_2023). These data indicate that the variant is likely associated with disease. To our knowledge, no experimental evidence demonstrating an impact on protein function has been reported. However, multiple missense variants within exon 11 have been classified as pathogenic by our laboratory and others in ClinVar, supporting the critical relevance of the deleted region to protein function. The following publications have been ascertained in the context of this evaluation (PMID: 33093640, 35858753). ClinVar contains an entry for this variant (Variation ID: 1498226). Based on the evidence outlined above, the variant was classified as pathogenic.

Literature cited by the submitters: PubMed 26708955; PubMed 33093640; PubMed 35858753; PubMed 35086832.